The following is an entry in ClinVar:

ClinVar aggregate classification (germline): Conflicting classifications of pathogenicity. Review status: criteria provided, conflicting classifications (1 of 4 stars). 4 submissions from 4 submitters: Likely pathogenic (2); Uncertain significance (1). 1 of the submissions does not count toward it. Last evaluated 2024-05-31.

Conditions:
Maple syrup urine disease type 1A (MSUD1A). Also called: MSUD type 1A. Identifiers: MedGen C1855369, MONDO:0023691, OMIM 248600.
Maple syrup urine disease (MSUD). Identifiers: Orphanet 511, MedGen C0024776, MeSH D008375, MONDO:0009563. Disease mechanism: loss of function.

Allele frequency attached by ClinVar (database versions not stated): gnomAD exomes below 0.00001.
gnomAD v4.1: 1 of 1,614,206 alleles (0.000062%); highest among the groups gnomAD compares: Middle Eastern, 0.016%; no homozygotes.

Submissions (4):

Fulgent Genetics
Classification: Likely pathogenic for Maple syrup urine disease type 1A. Last evaluated: 2024-05-31. Review status: criteria provided, single submitter. Criteria: ACMG Guidelines, 2015. Collection method: clinical testing. Allele origin: germline.

Women's Health and Genetics/Laboratory Corporation of America, LabCorp
Classification: Likely pathogenic for Maple syrup urine disease. Last evaluated: 2024-05-30. Review status: criteria provided, single submitter. Criteria: LabCorp Variant Classification Summary - May 2015. Collection method: clinical testing. Allele origin: germline.
Comment: Variant summary: BCKDHA c.792C>G (p.Cys264Trp) results in a non-conservative amino acid change located in the Dehydrogenase, E1 component (IPR001017) of the encoded protein sequence. Five of five in-silico tools predict a damaging effect of the variant on protein function. The variant allele was found at a frequency of 4e-06 in 251470 control chromosomes. c.792C>G has been reported in the literature in at least one homozygous individual affected with Maple Syrup Urine Disease (Chuang_2004). These data indicate that the variant may be associated with disease. At least one publication reports experimental evidence evaluating an impact on protein function. The most pronounced variant effect results in significantly reduced branched-chain alpha-ketoacid dehydrogenase activity in E. coli (Chuang_2004). The following publication has been ascertained in the context of this evaluation (PMID: 14742428). ClinVar contains an entry for this variant (Variation ID: 2382). Based on the evidence outlined above, the variant was classified as likely pathogenic.

Labcorp Genetics (formerly Invitae), Labcorp
Classification: Uncertain significance for Maple syrup urine disease. Last evaluated: 2022-05-16. Review status: criteria provided, single submitter. Criteria: Invitae Variant Classification Sherloc (09022015). Collection method: clinical testing. Allele origin: germline.
Comment: This sequence change replaces cysteine, which is neutral and slightly polar, with tryptophan, which is neutral and slightly polar, at codon 264 of the BCKDHA protein (p.Cys264Trp). This variant is not present in population databases (gnomAD no frequency). This missense change has been observed in individual(s) with maple syrup urine disease (PMID: 14742428). This variant is also known as C219W. ClinVar contains an entry for this variant (Variation ID: 2382). Advanced modeling of protein sequence and biophysical properties (such as structural, functional, and spatial information, amino acid conservation, physicochemical variation, residue mobility, and thermodynamic stability) performed at Invitae indicates that this missense variant is expected to disrupt BCKDHA protein function. Experimental studies have shown that this missense change affects BCKDHA function (PMID: 14742428). In summary, the available evidence is currently insufficient to determine the role of this variant in disease. Therefore, it has been classified as a Variant of Uncertain Significance.

OMIM
Classification: Pathogenic for MAPLE SYRUP URINE DISEASE, TYPE IA. Last evaluated: 2004-04-23. Review status: no assertion criteria provided. Collection method: literature only. Allele origin: germline. Not counted in ClinVar's aggregate classification.

Literature cited by the submitters: PubMed 14742428 (cited by 3 submitters).

NM_000709.4(BCKDHA):c.792C>G (p.Cys264Trp)

Gene: BCKDHA (branched chain keto acid dehydrogenase E1 subunit alpha; plus strand). Cytogenetic location: 19q13.2.
Variant type: single nucleotide variant.
Coding change: c.792C>G on transcript NM_000709.4 (MANE Select); coding-DNA position 792, C replaced by G.
Protein change: p.Cys264Trp; replaces cysteine 264 with tryptophan.
Molecular consequence: missense variant.
Genome position (GRCh38, 1-based): chr19:41,422,309, C>G. VCF-style: chr19-41422309-C-G. GRCh37 (hg19) VCF-style: chr19-41928214-C-G.
Other names: C219W; c.792C>G, p.Cys264Trp (NM_001164783.2); short protein forms C264W.
Identifiers: ClinVar variation 2382 (VCV000002382.6), dbSNP rs137852876, ClinGen allele CA115521.